The following is an entry in ClinVar:

ClinVar aggregate classification (germline): Uncertain significance (1 of 4 stars; one submission).

Conditions:
Epidermolysis bullosa simplex 5B, with muscular dystrophy (EBS5B). Also called: Epidermolysis bullosa simplex with muscular dystrophy; EPIDERMOLYSIS BULLOSA SIMPLEX AND LIMB-GIRDLE MUSCULAR DYSTROPHY. Identifiers: Orphanet 257, MedGen C2931072, MONDO:0009181, OMIM 226670.
Epidermolysis bullosa simplex, Ogna type (EBS5A). Also called: Pidermolysis bullosa simplex 5A, Ogna type; EPIDERMOLYSIS BULLOSA SIMPLEX 5A, OGNA TYPE. Identifiers: Orphanet 79401, MedGen C0432317, MONDO:0007555, OMIM 131950.
Epidermolysis bullosa simplex with nail dystrophy (EBS5D). Identifiers: MedGen C4225309, MONDO:0014661, OMIM 616487.
Epidermolysis bullosa simplex 5C, with pyloric atresia (EBS5C). Also called: PLEC1-Related Epidermolysis Bullosa with Pyloric Atresia; PLEC-Related Epidermolysis Bullosa with Pyloric Atresia; Epidermolysis bullosa simplex with pyloric atresia. Identifiers: Orphanet 158684, MedGen C2677349, MONDO:0012807, OMIM 612138.
Autosomal recessive limb-girdle muscular dystrophy type 2Q (LGMDR17). Also called: MUSCULAR DYSTROPHY, LIMB-GIRDLE, AUTOSOMAL RECESSIVE 17. Identifiers: Orphanet 254361, MedGen C3150989, MONDO:0013390, OMIM 613723.

gnomAD v4.1: 1 of 1,612,654 alleles (0.000062%); highest among the groups gnomAD compares: Non-Finnish European, 0.000085%; no homozygotes.

Submission:

Labcorp Genetics (formerly Invitae), Labcorp
Classification: Uncertain significance for Autosomal recessive limb-girdle muscular dystrophy type 2Q; Epidermolysis bullosa simplex, Ogna type; Epidermolysis bullosa simplex with nail dystrophy; Epidermolysis bullosa simplex 5C, with pyloric atresia; Epidermolysis bullosa simplex 5B, with muscular dystrophy. Last evaluated: 2022-06-24. Review status: criteria provided, single submitter. Criteria: Invitae Variant Classification Sherloc (09022015). Collection method: clinical testing. Allele origin: germline.
Comment: Algorithms developed to predict the effect of missense changes on protein structure and function are either unavailable or do not agree on the potential impact of this missense change (SIFT: "Deleterious"; PolyPhen-2: "Not Available"; Align-GVGD: "Class C65"). This variant has not been reported in the literature in individuals affected with PLEC-related conditions. This variant is present in population databases (rs201955391, gnomAD 0.0009%). This sequence change replaces proline, which is neutral and non-polar, with glutamine, which is neutral and polar, at codon 1326 of the PLEC protein (p.Pro1326Gln). In summary, the available evidence is currently insufficient to determine the role of this variant in disease. Therefore, it has been classified as a Variant of Uncertain Significance.

NM_201384.3(PLEC):c.3896C>A (p.Pro1299Gln)

Gene: PLEC (plectin; minus strand). Cytogenetic location: 8q24.3.
Variant type: single nucleotide variant.
Coding change: c.3896C>A on transcript NM_201384.3 (MANE Select); coding-DNA position 3896, C replaced by A.
Protein change: p.Pro1299Gln; replaces proline 1299 with glutamine.
Molecular consequence: missense variant.
Genome position (GRCh38, 1-based): chr8:143,927,026, G>T on the plus strand (C>A on the coding strand, the complement: PLEC is on the minus strand). VCF-style: chr8-143927026-G-T. GRCh37 (hg19) VCF-style: chr8-145001194-G-T.
Other names: c.3977C>A, p.Pro1326Gln (NM_000445.5, NM_001410941.1); c.3854C>A, p.Pro1285Gln (NM_201378.4); c.3830C>A, p.Pro1277Gln (NM_201379.3); c.4307C>A, p.Pro1436Gln (NM_201380.4); c.3800C>A, p.Pro1267Gln (NM_201381.3); c.3896C>A, p.Pro1299Gln (NM_201382.4); c.3908C>A, p.Pro1303Gln (NM_201383.3); short protein forms P1303Q, P1326Q, P1267Q, P1277Q, P1285Q, P1299Q, P1436Q.
Identifiers: ClinVar variation 1962042 (VCV001962042.5), dbSNP rs201955391, ClinGen allele CA4926861.
Genomic context (GRCh38, chr8:143,927,026, plus strand): 5'-CCCCACCCTACCTCCTGGATGACACTCTCTGATCCCGACTGGACCTTGGGCTTCTTGGCC[G>T]GGGAGGCCACCGGCTCAAGCTGCGCCTTGTACGTCACCAGCTGGAGTTCATAGTCCTGTG-3'
Protein context (NP_958786.1, residues 1289-1309): YKAQLEPVAS[Pro1299Gln]AKKPKVQSGS